The following is an entry in ClinVar:

NM_001244008.2(KIF1A):c.1138C>T (p.Arg380Trp)

Gene: KIF1A (kinesin family member 1A; minus strand). Cytogenetic location: 2q37.3.
Variant type: single nucleotide variant.
Coding change: c.1138C>T on transcript NM_001244008.2 (MANE Select); coding-DNA position 1138, C replaced by T.
Protein change: p.Arg380Trp; replaces arginine 380 with tryptophan.
Molecular consequence: missense variant.
Genome position (GRCh38, 1-based): chr2:240,773,156, G>A on the plus strand (C>T on the coding strand, the complement: KIF1A is on the minus strand). VCF-style: chr2-240773156-G-A. GRCh37 (hg19) VCF-style: chr2-241712573-G-A.
Other names: c.1138C>T, p.Arg380Trp (NM_001320705.2, NM_001330289.2, NM_001330290.2 and 20 more transcripts); short protein forms R380W.
Identifiers: ClinVar variation 583174 (VCV000583174.12), dbSNP rs545501989, ClinGen allele CA2208536.

ClinVar aggregate classification (germline): Conflicting classifications of pathogenicity. Review status: criteria provided, conflicting classifications (1 of 4 stars). 3 submissions from 3 submitters: Pathogenic (1); Uncertain significance (2). Last evaluated 2025-11-12.

Conditions:
Neuropathy, hereditary sensory, type 2C. Also called: KIF1A-Related HSAN2 (HSAN2C); Hereditary sensory and autonomic neuropathy type IIC. Identifiers: Orphanet 970, MedGen C3280168, MONDO:0013634, OMIM 614213.
Intellectual disability, autosomal dominant 9 (NESCAVS). Also called: NESCAV SYNDROME; KIF1A-Related Neurodevelopmental Disorder. Identifiers: Orphanet 662367, MedGen C5393830, MONDO:0013656, OMIM 614255.
Hereditary spastic paraplegia 30. Identifiers: Orphanet 101010, MedGen C5235139, MONDO:0012476.
Inborn genetic diseases. Identifiers: MedGen C0950123, MeSH D030342.

Allele frequency attached by ClinVar (database versions not stated): TOPMed below 0.00001; gnomAD 0.00001; gnomAD exomes 0.00001.
gnomAD v4.1: 6 of 1,613,774 alleles (0.00037%); highest among the groups gnomAD compares: East Asian, 0.0022%; no homozygotes.

Submissions (3):

Labcorp Genetics (formerly Invitae), Labcorp
Classification: Pathogenic for Hereditary spastic paraplegia 30; Neuropathy, hereditary sensory, type 2C; Intellectual disability, autosomal dominant 9. Last evaluated: 2025-11-12. Review status: criteria provided, single submitter. Criteria: Invitae Variant Classification Sherloc (09022015). Collection method: clinical testing. Allele origin: germline.
Comment: This sequence change replaces arginine, which is basic and polar, with tryptophan, which is neutral and slightly polar, at codon 380 of the KIF1A protein (p.Arg380Trp). This variant is present in population databases (rs545501989, gnomAD 0.002%). This missense change has been observed in individual(s) with clinical features of autosomal dominant hereditary spastic paraplegia (PMID: 31805580). In at least one individual the variant was observed to be de novo. ClinVar contains an entry for this variant (Variation ID: 583174). Invitae Evidence Modeling of protein sequence and biophysical properties (such as structural, functional, and spatial information, amino acid conservation, physicochemical variation, residue mobility, and thermodynamic stability) indicates that this missense variant is expected to disrupt KIF1A protein function with a positive predictive value of 95%. For these reasons, this variant has been classified as Pathogenic.

SIB Swiss Institute of Bioinformatics
Classification: Uncertain significance for Intellectual disability, autosomal dominant 9. Last evaluated: 2020-06-15. Review status: criteria provided, single submitter. Criteria: ACMG Guidelines, 2015. Collection method: curation. Allele origin: unknown.
Comment: This variant is interpreted as a variant of uncertain significance for NESCAV syndrome, autosomal dominant. The following ACMG Tag(s) were applied: Multiple lines of computational evidence support a deleterious effect on the gene or gene product (PP3); Missense variant in a gene that has a low rate of benign missense variation and in which missense variants are a common mechanism of disease (PP2); Assumed de novo, but no confirmation of paternity and maternity (PM6).

Ambry Genetics
Classification: Uncertain significance for Inborn genetic diseases. Last evaluated: 2019-09-13. Review status: criteria provided, single submitter. Criteria: Ambry Variant Classification Scheme 2023. Collection method: clinical testing. Allele origin: germline.
Comment: The p.R380W variant (also known as c.1138C>T), located in coding exon 12 of the KIF1A gene, results from a C to T substitution at nucleotide position 1138. The arginine at codon 380 is replaced by tryptophan, an amino acid with dissimilar properties. This amino acid position is well conserved in available vertebrate species. In addition, the in silico prediction for this alteration is inconclusive. Since supporting evidence is limited at this time, the clinical significance of this alteration remains unclear.

Literature cited by the submitters: PubMed 31805580 (cited by Labcorp Genetics (formerly Invitae), Labcorp and SIB Swiss Institute of Bioinformatics).